The following is an entry in ClinVar:

NC_000005.9:g.(?_1253843)_(1264717_?)dup

Gene: TERT (telomerase reverse transcriptase; minus strand). Cytogenetic location: 5p15.33.
Variant type: Duplication.
Identifiers: ClinVar variation 1412962 (VCV001412962.42).

ClinVar aggregate classification (germline): Uncertain significance (1 of 4 stars; one submission).

Conditions:
Dyskeratosis congenita, autosomal dominant 2. Identifiers: MedGen C3151443, MONDO:0013521, OMIM 613989.
Idiopathic Pulmonary Fibrosis. Also called: Idiopathic fibrosing alveolitis, chronic form; idiopathic fibrosing alveolitis. Identifiers: Orphanet 2032, MedGen C1800706, MeSH D054990, MONDO:0800504.

Submission:

Labcorp Genetics (formerly Invitae), Labcorp
Classification: Uncertain significance for Dyskeratosis congenita, autosomal dominant 2; Idiopathic Pulmonary Fibrosis. Last evaluated: 2023-03-16. Review status: criteria provided, single submitter. Criteria: Invitae Variant Classification Sherloc (09022015). Collection method: clinical testing. Allele origin: germline.
Comment: In summary, the available evidence is currently insufficient to determine the role of this variant in disease. Therefore, it has been classified as a Variant of Uncertain Significance. Experimental studies and prediction algorithms are not available or were not evaluated, and the functional significance of this variant is currently unknown. This variant has not been reported in the literature in individuals affected with TERT-related conditions. This variant results in a copy number gain of the genomic region encompassing exon(s) 11-16 of the TERT gene. This region includes the termination codon of the gene. This copy number gain extends beyond the assayed region for this gene and therefore may encompass additional genes. As the precise location of this event is unknown, it may be in tandem or it may be located elsewhere in the genome.